The following is an entry in ClinVar:

ClinVar aggregate classification (germline): Uncertain significance (1 of 4 stars; one submission).

gnomAD v4.1: 41 of 1,613,020 alleles (0.0025%); highest among the groups gnomAD compares: Admixed American, 0.005%; no homozygotes.

Submission:

Labcorp Genetics (formerly Invitae), Labcorp
Classification: Uncertain significance. Last evaluated: 2024-02-11. Review status: criteria provided, single submitter. Criteria: Invitae Variant Classification Sherloc (09022015). Collection method: clinical testing. Allele origin: germline.
Comment: This sequence change replaces arginine, which is basic and polar, with cysteine, which is neutral and slightly polar, at codon 3952 of the HSPG2 protein (p.Arg3952Cys). This variant is present in population databases (no rsID available, gnomAD 0.009%). This variant has not been reported in the literature in individuals affected with HSPG2-related conditions. An algorithm developed to predict the effect of missense changes on protein structure and function (PolyPhen-2) suggests that this variant is likely to be disruptive. In summary, the available evidence is currently insufficient to determine the role of this variant in disease. Therefore, it has been classified as a Variant of Uncertain Significance.

NM_005529.7(HSPG2):c.11854C>T (p.Arg3952Cys)

Gene: HSPG2 (heparan sulfate proteoglycan 2; minus strand). Cytogenetic location: 1p36.12.
Variant type: single nucleotide variant.
Coding change: c.11854C>T on transcript NM_005529.7 (MANE Select); coding-DNA position 11854, C replaced by T.
Protein change: p.Arg3952Cys; replaces arginine 3952 with cysteine.
Molecular consequence: missense variant.
Genome position (GRCh38, 1-based): chr1:21,829,521, G>A on the plus strand (C>T on the coding strand, the complement: HSPG2 is on the minus strand). VCF-style: chr1-21829521-G-A. GRCh37 (hg19) VCF-style: chr1-22156014-G-A.
Other names: c.11857C>T, p.Arg3953Cys (NM_001291860.2); short protein forms R3952C, R3953C.
Identifiers: ClinVar variation 3608615 (VCV003608615.1).
Genomic context (GRCh38, chr1:21,829,521, plus strand): 5'-TCCCCCCGCTGAACAGCAGGACCCCGTCAGGGGCGAGTGGCTTGAACTCCACGTCCAGGC[G>A]TAGCTCGTGGTGTGTGTTGGTGAGGGCGGGCAGTGCCAGGTAGGAGCCAGCACCCGACAG-3'
Protein context (NP_005520.4, residues 3942-3962): PALTNTHHEL[Arg3952Cys]LDVEFKPLAP